The following is an entry in ClinVar:

ClinVar aggregate classification (germline): Uncertain significance (1 of 4 stars; one submission).

Submission:

GeneDx
Classification: Uncertain significance. Last evaluated: 2026-01-18. Review status: criteria provided, single submitter. Criteria: GeneDx Variant Classification Process June 2021. Collection method: clinical testing. Allele origin: germline.
Comment: Has not been previously published as pathogenic or benign to our knowledge; In silico analysis supports that this missense variant has a deleterious effect on protein structure/function; Not observed at significant frequency in large population cohorts (gnomAD)

NM_016284.5(CNOT1):c.668T>C (p.Leu223Pro)

Gene: CNOT1 (CCR4-NOT transcription complex subunit 1; minus strand). Cytogenetic location: 16q21.
Variant type: single nucleotide variant.
Coding change: c.668T>C on transcript NM_016284.5 (MANE Select); coding-DNA position 668, T replaced by C.
Protein change: p.Leu223Pro; replaces leucine 223 with proline.
Molecular consequence: missense variant. On other transcripts: non-coding transcript variant (1).
Genome position (GRCh38, 1-based): chr16:58,585,476, A>G on the plus strand (T>C on the coding strand, the complement: CNOT1 is on the minus strand). VCF-style: chr16-58585476-A-G. GRCh37 (hg19) VCF-style: chr16-58619380-A-G.
Other names: c.668T>C, p.Leu223Pro (NM_001265612.2, NM_206999.3); short protein forms L223P.
Identifiers: ClinVar variation 3364430 (VCV003364430.2).